The following is an entry in ClinVar:

NM_000051.4(ATM):c.4149G>T (p.Ser1383=)

Gene: ATM (ATM serine/threonine kinase; plus strand). Cytogenetic location: 11q22.3.
Variant type: single nucleotide variant.
Coding change: c.4149G>T on transcript NM_000051.4 (MANE Select); coding-DNA position 4149, G replaced by T.
Protein change: p.Ser1383=; no amino-acid change (serine 1383 retained).
Molecular consequence: synonymous variant.
Genome position (GRCh38, 1-based): chr11:108,289,016, G>T. VCF-style: chr11-108289016-G-T. GRCh37 (hg19) VCF-style: chr11-108159743-G-T.
Other names: c.4149G>T, p.Ser1383= (NM_001351834.2).
Identifiers: ClinVar variation 1595132 (VCV001595132.11), dbSNP rs749180334, ClinGen allele CA476673695.
Genomic context (GRCh38, chr11:108,289,016, plus strand): 5'-TTTTTCCCTTAACTCTGTTAGGGATTTGGATCCTGCTCCTAATCCACCTCATTTTCCATC[G>T]CATGTGATTAAAGCAACATTTGCCTATATCAGCAATTGTCATAAAACCAAGTTAAAAAGC-3'
Protein context (NP_000042.3, residues 1373-1393): DPAPNPPHFP[Ser1383=]HVIKATFAYI

ClinVar aggregate classification (germline): Benign/Likely benign. Review status: criteria provided, multiple submitters, no conflicts (2 of 4 stars). 3 submissions from 3 submitters: Benign (1); Likely benign (2). Last evaluated 2026-01-11.

Conditions:
Hereditary cancer-predisposing syndrome. Also called: Hereditary Cancer Syndrome; Tumor predisposition; Neoplastic Syndromes, Hereditary; Hereditary neoplastic syndrome. Identifiers: Orphanet 140162, MedGen C0027672, MeSH D009386, MONDO:0015356.
Familial cancer of breast. Also called: Hereditary breast cancer; BREAST CANCER, FAMILIAL; hereditary breast carcinoma. Identifiers: Orphanet 227535, MedGen C0346153, MONDO:0016419, OMIM 114480. Disease mechanism: loss of function.
Ataxia-telangiectasia syndrome (AT). Also called: Ataxia telangiectasia (A-T); Cerebello-oculocutaneous telangiectasia; Immunodeficiency with ataxia telangiectasia; AT, COMPLEMENTATION GROUP C; LOUIS-BAR SYNDROME; Ataxia-telangiectasia, complementation group E. Identifiers: Orphanet 100, MedGen C0004135, MONDO:0008840, OMIM 208900.

Submissions (3):

Labcorp Genetics (formerly Invitae), Labcorp
Classification: Likely benign for Ataxia-telangiectasia syndrome. Last evaluated: 2026-01-11. Review status: criteria provided, single submitter. Criteria: Invitae Variant Classification Sherloc (09022015). Collection method: clinical testing. Allele origin: germline.

Myriad Genetics, Inc.
Classification: Benign for Familial cancer of breast. Last evaluated: 2024-05-16. Review status: criteria provided, single submitter. Criteria: Myriad Autosomal Dominant, Autosomal Recessive and X-Linked Classification Criteria (2023). Collection method: clinical testing. Allele origin: unknown.
Comment: This variant is considered benign. This variant is a silent/synonymous amino acid change and it is not expected to impact splicing.

Color Diagnostics, LLC DBA Color Health
Classification: Likely benign for Hereditary cancer-predisposing syndrome. Last evaluated: 2022-09-26. Review status: criteria provided, single submitter. Criteria: ACMG Guidelines, 2015. Collection method: clinical testing. Allele origin: germline.